The following is an entry in ClinVar:

ClinVar aggregate classification (germline): Uncertain significance. Review status: criteria provided, multiple submitters, no conflicts (2 of 4 stars). 2 submissions from 2 submitters: Uncertain significance (2). Last evaluated 2025-12-10.

Conditions:
Inborn genetic diseases. Identifiers: MedGen C0950123, MeSH D030342.

Allele frequency attached by ClinVar (database versions not stated): gnomAD exomes below 0.00001; gnomAD 0.00001; TOPMed 0.00001.
gnomAD v4.1: 4 of 1,613,872 alleles (0.00025%); highest among the groups gnomAD compares: African/African-American, 0.0013%; no homozygotes.

Submissions (2):

Ambry Genetics
Classification: Uncertain significance for Inborn genetic diseases. Last evaluated: 2025-12-10. Review status: criteria provided, single submitter. Criteria: Ambry Variant Classification Scheme 2023. Collection method: clinical testing. Allele origin: germline.

Labcorp Genetics (formerly Invitae), Labcorp
Classification: Uncertain significance. Last evaluated: 2022-03-31. Review status: criteria provided, single submitter. Criteria: Invitae Variant Classification Sherloc (09022015). Collection method: clinical testing. Allele origin: germline.
Comment: Algorithms developed to predict the effect of sequence changes on RNA splicing suggest that this variant may disrupt the consensus splice site. This sequence change replaces glutamic acid, which is acidic and polar, with glycine, which is neutral and non-polar, at codon 670 of the CEP63 protein (p.Glu670Gly). This variant is not present in population databases (gnomAD no frequency). This variant has not been reported in the literature in individuals affected with CEP63-related conditions. Algorithms developed to predict the effect of missense changes on protein structure and function are either unavailable or do not agree on the potential impact of this missense change (SIFT: "Deleterious"; PolyPhen-2: "Probably Damaging"; Align-GVGD: "Class C0"). In summary, the available evidence is currently insufficient to determine the role of this variant in disease. Therefore, it has been classified as a Variant of Uncertain Significance.

NM_001353108.3(CEP63):c.2009A>G (p.Glu670Gly)

Gene: CEP63 (centrosomal protein 63; plus strand). Cytogenetic location: 3q22.2.
Variant type: single nucleotide variant.
Coding change: c.2009A>G on transcript NM_001353108.3 (MANE Select); coding-DNA position 2009, A replaced by G.
Protein change: p.Glu670Gly; replaces glutamic acid 670 with glycine.
Molecular consequence: missense variant. On other transcripts: non-coding transcript variant (4), intron variant (5).
Genome position (GRCh38, 1-based): chr3:134,561,432, A>G. VCF-style: chr3-134561432-A-G. GRCh37 (hg19) VCF-style: chr3-134280274-A-G.
Other names: c.2009A>G (NM_025180.3); c.1385A>G, p.Glu462Gly (NM_001042383.2, NM_001353119.2, NM_001353120.2 and 2 more transcripts); c.1523A>G, p.Glu508Gly (NM_001042400.3, NM_001353110.1, NM_001353111.2 and 1 more transcripts); c.1871A>G, p.Glu624Gly (NM_001353109.1); c.1412A>G, p.Glu471Gly (NM_001353118.1); c.1301A>G, p.Glu434Gly (NM_001353125.2); c.1022A>G, p.Glu341Gly (NM_001353126.2); c.2009A>G, p.Glu670Gly (NM_025180.5); and 2 more; short protein forms E471G, E434G, E670G, E341G, E462G, E508G, E624G.
Identifiers: ClinVar variation 1982118 (VCV001982118.5), dbSNP rs1957329937, ClinGen allele CA354634711.